The following is an entry in ClinVar:

ClinVar aggregate classification (germline): Likely pathogenic. Review status: criteria provided, multiple submitters, no conflicts (2 of 4 stars). 2 submissions from 2 submitters: Likely pathogenic (2). Last evaluated 2024-09-24.

Conditions:
Cardiovascular phenotype. Identifiers: MedGen CN230736.
Dilated cardiomyopathy 1G (CMD1G). Identifiers: Orphanet 154, MedGen C1858763, MONDO:0011400, OMIM 604145.
Autosomal recessive limb-girdle muscular dystrophy type 2J (LGMDR10). Also called: Limb-girdle muscular dystrophy, type 2J; MUSCULAR DYSTROPHY, LIMB-GIRDLE, AUTOSOMAL RECESSIVE 10. Identifiers: Orphanet 140922, MedGen C1837342, MONDO:0012127, OMIM 608807.

Submissions (2):

Labcorp Genetics (formerly Invitae), Labcorp
Classification: Likely pathogenic for Dilated cardiomyopathy 1G; Autosomal recessive limb-girdle muscular dystrophy type 2J. Last evaluated: 2024-09-24. Review status: criteria provided, single submitter. Criteria: Invitae Variant Classification Sherloc (09022015). Collection method: clinical testing. Allele origin: germline.
Comment: This sequence change creates a premature translational stop signal (p.Glu16831Lysfs*2) in the TTN gene. While this is not anticipated to result in nonsense mediated decay, it is expected to create a truncated TTN protein. This variant is not present in population databases (gnomAD no frequency). This variant has not been reported in the literature in individuals affected with TTN-related conditions. ClinVar contains an entry for this variant (Variation ID: 519046). This variant is located in the A band of TTN (PMID: 25589632). Truncating variants in this region are significantly overrepresented in patients affected with dilated cardiomyopathy (PMID: 25589632). Truncating variants in this region have also been reported in individuals affected with autosomal recessive centronuclear myopathy (PMID: 23975875). In summary, the currently available evidence indicates that the variant is pathogenic, but additional data are needed to prove that conclusively. Therefore, this variant has been classified as Likely Pathogenic.

Ambry Genetics
Classification: Likely pathogenic for Cardiovascular phenotype. Last evaluated: 2017-12-12. Review status: criteria provided, single submitter. Criteria: Ambry Variant Classification Scheme 2023. Collection method: clinical testing. Allele origin: germline.
Comment: The c.23292_23295dupAAAT variant, located in coding exon 95 of the TTN gene, results from a duplication of AAAT at nucleotide position 23292, causing a translational frameshift with a predicted alternate stop codon (p.E7766Kfs*2). This exon is located in the A-band region of the N2-B isoform of the titin protein and is constitutively expressed in TTN transcripts (percent spliced in or PSI 100%). While truncating variants in TTN are present in 1-3% of the general population, truncating variants in the A-band are the most common cause of dilated cardiomyopathy (DCM) (Herman DS et al. N. Engl. J. Med. 2012 Feb;366:619-28; Roberts AM et al. Sci Transl Med. 2015 Jan;7:270ra6). TTN truncating variants encoded in constitutive exons (PSI >90%) have been found to be significantly associated with DCM regardless of their position in titin (Schafer S et al. Nat. Genet. 2017 Jan;49:46-53). This alteration is expected to result in loss of function by premature protein truncation or nonsense-mediated mRNA decay. As such, this alteration is classified as likely pathogenic.

Literature cited by the submitters: PubMed 25589632 (cited by Labcorp Genetics (formerly Invitae), Labcorp); PubMed 23975875 (cited by Labcorp Genetics (formerly Invitae), Labcorp).

NM_001267550.2(TTN):c.50487_50490dup (p.Glu16831delinsLysTer)

Genes: TTN-AS1 (TTN antisense RNA 1; plus strand), TTN (titin; minus strand). Cytogenetic location: 2q31.2.
Variant type: Duplication.
Coding change: c.50487_50490dup on transcript NM_001267550.2 (MANE Select); coding-DNA positions 50487 to 50490, 4 bases duplicated (AAAT; older notation c.50487_50490dupAAAT).
Protein change: p.Glu16831delinsLysTer.
Molecular consequence: nonsense.
Genome position (GRCh38, 1-based): chr2:178,611,819-178,611,822, ATTT duplicated on the plus strand (AAAT on the coding strand, the reverse complement: TTN is on the minus strand). VCF-style (leftmost placement, unchanged base first): chr2-178611818-C-CATTT. GRCh37 (hg19) VCF-style: chr2-179476545-C-CATTT.
Other names: c.23292_23295dupAAAT (NM_003319.4); c.45564_45567dup, p.Glu15190delinsLysTer (NM_001256850.1); c.23292_23295dup, p.Glu7766delinsLysTer (NM_003319.4); c.42783_42786dup, p.Glu14263delinsLysTer (NM_133378.4); c.23667_23670dup, p.Glu7891delinsLysTer (NM_133432.3); c.23868_23871dup, p.Glu7958delinsLysTer (NM_133437.4).
Identifiers: ClinVar variation 519046 (VCV000519046.8), dbSNP rs1553696967, ClinGen allele CA658795996.